The following is an entry in ClinVar:

ClinVar aggregate classification (germline): Likely benign. Review status: criteria provided, multiple submitters, no conflicts (2 of 4 stars). 2 submissions from 2 submitters: Likely benign (2). Last evaluated 2025-12-11.

Conditions:
TTLL5-related disorder. Also called: TTLL5-related condition.

Allele frequency attached by ClinVar (database versions not stated): gnomAD exomes 0.00001; ExAC 0.00002; gnomAD 0.00002; TOPMed 0.00003.
gnomAD v4.1: 23 of 1,613,998 alleles (0.0014%); highest among the groups gnomAD compares: Middle Eastern, 0.049%; no homozygotes.

Submissions (2):

Labcorp Genetics (formerly Invitae), Labcorp
Classification: Likely benign. Last evaluated: 2025-12-11. Review status: criteria provided, single submitter. Criteria: Invitae Variant Classification Sherloc (09022015). Collection method: clinical testing. Allele origin: germline.

PreventionGenetics, part of Exact Sciences
Classification: Likely benign for TTLL5-related condition. Last evaluated: 2025-03-19. Review status: criteria provided, single submitter. Criteria: ACMG Guidelines, 2015. Collection method: clinical testing. Allele origin: germline.
Comment: This variant is classified as likely benign based on ACMG/AMP sequence variant interpretation guidelines (Richards et al. 2015 PMID: 25741868, with internal and published modifications).

NM_015072.5(TTLL5):c.3750C>T (p.Ser1250=)

Gene: TTLL5 (tubulin tyrosine ligase like 5; plus strand). Cytogenetic location: 14q24.3.
Variant type: single nucleotide variant.
Coding change: c.3750C>T on transcript NM_015072.5 (MANE Select); coding-DNA position 3750, C replaced by T.
Protein change: p.Ser1250=; no amino-acid change (serine 1250 retained).
Molecular consequence: synonymous variant.
Genome position (GRCh38, 1-based): chr14:75,902,151, C>T. VCF-style: chr14-75902151-C-T. GRCh37 (hg19) VCF-style: chr14-76368494-C-T.
Other names: c.3750C>T (NM_015072.4).
Identifiers: ClinVar variation 1580391 (VCV001580391.9), dbSNP rs767719777, ClinGen allele CA7280154.
Genomic context (GRCh38, chr14:75,902,151, plus strand): 5'-CTGACCTCACCTTTCCGCCTGCAGGTCTGACCAAGCTCCTTTGTGTTTCAGAGGGTCCTC[C>T]GCGGAAGGGCAGCTGAATGGACTCCAGAGCAGCCTTAACCCTGCAGCCTTTGTGCCCATC-3'
Protein context (NP_055887.3, residues 1240-1260): ATSQKASKGS[Ser1250=]AEGQLNGLQS